The following is an entry in ClinVar:

NC_000001.10:g.(?_53662616)_(53662787_?)dup

Gene: CPT2 (carnitine palmitoyltransferase 2; plus strand). Cytogenetic location: 1p32.3.
Variant type: Duplication.
Identifiers: ClinVar variation 2422359 (VCV002422359.3).

ClinVar aggregate classification (germline): Uncertain significance (1 of 4 stars; one submission).

Conditions:
Carnitine palmitoyltransferase II deficiency. Also called: Carnitine Palmitoyltransferase 2 Deficiency. Identifiers: Orphanet 157, MedGen C0342790, MONDO:0015515.

Submission:

Labcorp Genetics (formerly Invitae), Labcorp
Classification: Uncertain significance for Carnitine palmitoyltransferase II deficiency. Last evaluated: 2022-07-05. Review status: criteria provided, single submitter. Criteria: Invitae Variant Classification Sherloc (09022015). Collection method: clinical testing. Allele origin: germline.
Comment: This variant results in a copy number gain of the genomic region encompassing exon(s) 1 of the CPT2 gene. This region includes the initiator codon of the gene. This copy number gain extends beyond the assayed region for this gene and therefore may encompass additional genes. As the precise location of this event is unknown, it may be in tandem or it may be located elsewhere in the genome. This variant has not been reported in the literature in individuals affected with CPT2-related conditions. In summary, the available evidence is currently insufficient to determine the role of this variant in disease. Therefore, it has been classified as a Variant of Uncertain Significance.